The following is an entry in ClinVar:

ClinVar aggregate classification (germline): Uncertain significance (1 of 4 stars; one submission).

Conditions:
Bloom syndrome (BLM). Also called: Bloom-Torre-Machacek syndrome. Identifiers: Orphanet 125, MedGen C0005859, MONDO:0008876, OMIM 210900.

Submission:

Labcorp Genetics (formerly Invitae), Labcorp
Classification: Uncertain significance for Bloom syndrome. Last evaluated: 2021-08-30. Review status: criteria provided, single submitter. Criteria: Invitae Variant Classification Sherloc (09022015). Collection method: clinical testing. Allele origin: germline.
Comment: This sequence change replaces leucine with phenylalanine at codon 1261 of the BLM protein (p.Leu1261Phe). The leucine residue is highly conserved and there is a small physicochemical difference between leucine and phenylalanine. This variant is not present in population databases (ExAC no frequency). This variant has not been reported in the literature in individuals affected with BLM-related conditions. Algorithms developed to predict the effect of missense changes on protein structure and function are either unavailable or do not agree on the potential impact of this missense change (SIFT: "Tolerated"; PolyPhen-2: "Probably Damaging"; Align-GVGD: "Class C0"). In summary, the available evidence is currently insufficient to determine the role of this variant in disease. Therefore, it has been classified as a Variant of Uncertain Significance.

NM_000057.4(BLM):c.3781C>T (p.Leu1261Phe)

Gene: BLM (BLM RecQ like helicase; plus strand). Cytogenetic location: 15q26.1.
Variant type: single nucleotide variant.
Coding change: c.3781C>T on transcript NM_000057.4 (MANE Select); coding-DNA position 3781, C replaced by T.
Protein change: p.Leu1261Phe; replaces leucine 1261 with phenylalanine.
Molecular consequence: missense variant.
Genome position (GRCh38, 1-based): chr15:90,809,166, C>T. VCF-style: chr15-90809166-C-T. GRCh37 (hg19) VCF-style: chr15-91352396-C-T.
Other names: c.3781C>T, p.Leu1261Phe (NM_001287246.2); c.3388C>T, p.Leu1130Phe (NM_001287247.2); c.2656C>T, p.Leu886Phe (NM_001287248.2); short protein forms L1261F, L1130F, L886F.
Identifiers: ClinVar variation 571299 (VCV000571299.6), dbSNP rs1567065644, ClinGen allele CA393849643.
Genomic context (GRCh38, chr15:90,809,166, plus strand): 5'-TTTAAATTCCTAATTTTATGCCTTTGCACAGAATCTTTATCTTCTGATCCTGAGGTTTTG[C>T]TTCAAATTGATGGTGTTACTGAAGACAAACTGGAAAAATATGGTGCGGAAGTGATTTCAG-3'
Protein context (NP_000048.1, residues 1251-1271): ESLSSDPEVL[Leu1261Phe]QIDGVTEDKL